The following is an entry in ClinVar:

NM_020532.5(RTN4):c.228G>A (p.Ala76=)

Gene: RTN4 (reticulon 4; minus strand). Cytogenetic location: 2p16.1.
Variant type: single nucleotide variant.
Coding change: c.228G>A on transcript NM_020532.5 (MANE Select); coding-DNA position 228, G replaced by A.
Protein change: p.Ala76=; no amino-acid change (alanine 76 retained).
Molecular consequence: synonymous variant. On other transcripts: intron variant (3).
Genome position (GRCh38, 1-based): chr2:55,050,073, C>T on the plus strand (G>A on the coding strand, the complement: RTN4 is on the minus strand). VCF-style: chr2-55050073-C-T. GRCh37 (hg19) VCF-style: chr2-55277209-C-T.
Other names: c.228G>A, p.Ala76= (NM_153828.3, NM_207520.2); c.-62-21853G>A (NM_001321904.2); c.-63+644G>A (NM_001321859.2); c.-63+355G>A (NM_001321860.1).
Identifiers: ClinVar variation 2650943 (VCV002650943.24), dbSNP rs202244693, ClinGen allele CA1663641.

ClinVar aggregate classification (germline): Likely benign (1 of 4 stars; one submission).

Allele frequency attached by ClinVar (database versions not stated): 1000 Genomes Project 30x 0.00141; 1000 Genomes Project 0.00160; TOPMed 0.00445; ESP Exome Variant Server 0.00684; ExAC 0.01675.
gnomAD v4.1: 11,277 of 1,447,902 alleles (0.78%); highest among the groups gnomAD compares: Non-Finnish European, 0.91%; 61 homozygotes.

Submission:

CeGaT Center for Human Genetics Tuebingen
Classification: Likely benign. Last evaluated: 2022-07-01. Review status: criteria provided, single submitter. Criteria: CeGaT Center For Human Genetics Tuebingen Variant Classification Criteria Version 2. Collection method: clinical testing. Allele origin: germline. Affected: yes. Observed: 1 variant allele.
Comment: RTN4: BP4, BP7